The following is an entry in ClinVar:

ClinVar aggregate classification (germline): Likely pathogenic (1 of 4 stars; one submission).

Conditions:
Primary dilated cardiomyopathy (DCM). Also called: Dilated Cardiomyopathy. Identifiers: Orphanet 217604, MedGen C0007193, MeSH D002311, MONDO:0005021, HP:0001644. Inheritance: Various modes of inheritance.

Submission:

Cardiovascular Biomedical Research Unit, Royal Brompton & Harefield NHS Foundation Trust
Classification: Likely pathogenic for Primary dilated cardiomyopathy. Last evaluated: 2014-10-08. Review status: criteria provided, single submitter. Criteria: Roberts et al. 2015. Collection method: research. Allele origin: germline. Inheritance: Autosomal dominant inheritance. Affected: yes. Observed: 1 variant allele. Study: Endstage DCM.
Comment: In the seven cohorts assessed, TTNtv were found in 14% of ambulant DCM, 22% end-stage or familial DCM, and 2% controls. Heterozygous nonsense, frameshift and canonical splice-disrupting variants found in constitutive and other highly utilised exons are highly likely to be pathogenic when identified in individuals with phenotypically confirmed DCM. TTNtv found incidentally in healthy individuals (excluding familial assessment of DCM relatives) are thought to have low penetrance, particularly when identified in exons that are not constitutively expressed in the heart.

NM_001267550.2(TTN):c.86459_86460del (p.Ser28820fs)

Genes: TTN (titin; minus strand), TTN-AS1 (TTN antisense RNA 1; plus strand). Cytogenetic location: 2q31.2.
Variant type: Microsatellite.
Coding change: c.86459_86460del on transcript NM_001267550.2 (MANE Select); coding-DNA positions 86459 to 86460, 2 bases deleted (CT; older notation c.86459_86460delCT).
Protein change: p.Ser28820fs; shifts the reading frame from serine 28820.
Molecular consequence: frameshift variant.
Genome position (GRCh38, 1-based): chr2:178,559,672-178,559,673, AG deleted on the plus strand (CT on the coding strand, the reverse complement: TTN is on the minus strand); deleting any 2 consecutive bases within chr2:178,559,672-178,559,675 gives the same sequence; the c. name uses the placement nearest the transcript's 3' end. VCF-style (leftmost placement, unchanged base first): chr2-178559671-CAG-C. GRCh37 (hg19) VCF-style: chr2-179424398-CAG-C.
Other names: c.81536_81537del, p.Ser27179fs (NM_001256850.1); c.59264_59265del, p.Ser19755fs (NM_003319.4); c.78755_78756del, p.Ser26252fs (NM_133378.4); c.59639_59640del, p.Ser19880fs (NM_133432.3); c.59840_59841del, p.Ser19947fs (NM_133437.4); c.86459_86460delCT (LRG_391t1); short protein forms S19880fs, S27179fs, S19755fs, S26252fs, S28820fs, S19947fs.
Identifiers: ClinVar variation 223322 (VCV000223322.1), dbSNP rs869312080, ClinGen allele CA353197.
Genomic context (GRCh38, chr2:178,559,671, plus strand): 5'-TGACAACTAAGGTCAGTGAAGCAGCACTCAAAACATTCTGAATTGTTAATGTGTACTTTC[CAG>C]AGTCATTTCTGTTGGCATTTTCAATGGTCAGTGATGTACGAGAGTCTGTGGTATCAACAT-3'